The following is an entry in ClinVar:

NM_017849.4(TMEM127):c.600C>A (p.Pro200=)

Gene: TMEM127 (transmembrane protein 127; minus strand). Cytogenetic location: 2q11.2.
Variant type: single nucleotide variant.
Coding change: c.600C>A on transcript NM_017849.4 (MANE Select); coding-DNA position 600, C replaced by A.
Protein change: p.Pro200=; no amino-acid change (proline 200 retained).
Molecular consequence: synonymous variant.
Genome position (GRCh38, 1-based): chr2:96,253,925, G>T on the plus strand (C>A on the coding strand, the complement: TMEM127 is on the minus strand). VCF-style: chr2-96253925-G-T. GRCh37 (hg19) VCF-style: chr2-96919663-G-T.
Other names: c.600C>A, p.Pro200= (NM_001193304.3).
Identifiers: ClinVar variation 413238 (VCV000413238.14), dbSNP rs1060503974, ClinGen allele CA16611030.

ClinVar aggregate classification (germline): Benign/Likely benign. Review status: criteria provided, multiple submitters, no conflicts (2 of 4 stars). 3 submissions from 3 submitters: Benign (1); Likely benign (2). Last evaluated 2026-07-30.

Conditions:
Hereditary pheochromocytoma and paraganglioma. Also called: Hereditary Paraganglioma-Pheochromocytoma Syndromes; Hereditary paragangliomas and pheochromocytomas; Hereditary pheochromocytoma-paraganglioma. Identifiers: Orphanet 29072, MedGen C4274332, MONDO:0017366.
Hereditary cancer-predisposing syndrome. Also called: Hereditary Cancer Syndrome; Hereditary neoplastic syndrome; Neoplastic Syndromes, Hereditary; Tumor predisposition. Identifiers: Orphanet 140162, MedGen C0027672, MeSH D009386, MONDO:0015356.

Allele frequency attached by ClinVar (database versions not stated): TOPMed 0.00001.

Submissions (3):

Myriad Genetics, Inc.
Classification: Benign for Hereditary pheochromocytoma and paraganglioma. Last evaluated: 2026-07-30. Review status: criteria provided, single submitter. Criteria: Myriad Autosomal Dominant, Autosomal Recessive and X-Linked Classification Criteria (2023). Collection method: clinical testing. Allele origin: unknown.
Comment: This variant is considered benign. This variant is a silent/synonymous amino acid change and it is not expected to impact splicing.

Labcorp Genetics (formerly Invitae), Labcorp
Classification: Likely benign for Hereditary pheochromocytoma and paraganglioma. Last evaluated: 2025-10-04. Review status: criteria provided, single submitter. Criteria: Invitae Variant Classification Sherloc (09022015). Collection method: clinical testing. Allele origin: germline.

Ambry Genetics
Classification: Likely benign for Hereditary cancer-predisposing syndrome. Last evaluated: 2022-04-26. Review status: criteria provided, single submitter. Criteria: Ambry Variant Classification Scheme 2023. Collection method: clinical testing. Allele origin: germline.